The following is an entry in ClinVar:

NM_001330078.2(NRXN1):c.771A>G (p.Gln257=)

Gene: NRXN1 (neurexin 1; minus strand). Cytogenetic location: 2p16.3.
Variant type: single nucleotide variant.
Coding change: c.771A>G on transcript NM_001330078.2 (MANE Select); coding-DNA position 771, A replaced by G.
Protein change: p.Gln257=; no amino-acid change (glutamine 257 retained).
Molecular consequence: synonymous variant.
Genome position (GRCh38, 1-based): chr2:51,027,503, T>C on the plus strand (A>G on the coding strand, the complement: NRXN1 is on the minus strand). VCF-style: chr2-51027503-T-C. GRCh37 (hg19) VCF-style: chr2-51254641-T-C.
Other names: c.771A>G, p.Gln257= (NM_001330088.2, NM_001330089.2, NM_001330090.2 and 15 more transcripts).
Identifiers: ClinVar variation 1264229 (VCV001264229.6), dbSNP rs1307802785, ClinGen allele CA426128803.

ClinVar aggregate classification (germline): Conflicting classifications of pathogenicity. Review status: criteria provided, conflicting classifications (1 of 4 stars). 3 submissions from 3 submitters: Uncertain significance (1); Benign (1); Likely benign (1). Last evaluated 2024-07-26.

Conditions:
Inborn genetic diseases. Identifiers: MedGen C0950123, MeSH D030342.
Pitt-Hopkins-like syndrome 2 (PTHSL2). Identifiers: Orphanet 221150, Orphanet 600663, MedGen C3280479, MONDO:0013690, OMIM 614325.

Allele frequency attached by ClinVar (database versions not stated): gnomAD 0.00001; TOPMed 0.00001; gnomAD exomes 0.00002.
gnomAD v4.1: 29 of 1,524,820 alleles (0.0019%); highest among the groups gnomAD compares: Admixed American, 0.004%; no homozygotes.

Submissions (3):

Labcorp Genetics (formerly Invitae), Labcorp
Classification: Uncertain significance for Pitt-Hopkins-like syndrome 2. Last evaluated: 2024-07-26. Review status: criteria provided, single submitter. Criteria: Invitae Variant Classification Sherloc (09022015). Collection method: clinical testing. Allele origin: germline.
Comment: This sequence change affects codon 257 of the NRXN1 mRNA. It is a 'silent' change, meaning that it does not change the encoded amino acid sequence of the NRXN1 protein. It affects a nucleotide within the consensus splice site. This variant is not present in population databases (gnomAD no frequency). This variant has not been reported in the literature in individuals affected with NRXN1-related conditions. ClinVar contains an entry for this variant (Variation ID: 1264229). Algorithms developed to predict the effect of sequence changes on RNA splicing suggest that this variant is not likely to affect RNA splicing. In summary, the available evidence is currently insufficient to determine the role of this variant in disease. Therefore, it has been classified as a Variant of Uncertain Significance.

Ambry Genetics
Classification: Likely benign for Inborn genetic diseases. Last evaluated: 2017-12-18. Review status: criteria provided, single submitter. Criteria: Ambry Variant Classification Scheme 2023. Collection method: clinical testing. Allele origin: germline.

GeneDx
Classification: Benign. Last evaluated: 2015-03-18. Review status: criteria provided, single submitter. Criteria: GeneDx Variant Classification Process June 2021. Collection method: clinical testing. Allele origin: germline. Affected: yes.